The following is an entry in ClinVar:

ClinVar aggregate classification (germline): Uncertain significance. Review status: criteria provided, multiple submitters, no conflicts (2 of 4 stars). 2 submissions from 2 submitters: Uncertain significance (2). Last evaluated 2025-07-22.

Conditions:
Hereditary cancer-predisposing syndrome. Also called: Neoplastic Syndromes, Hereditary; Hereditary Cancer Syndrome; Hereditary neoplastic syndrome; Tumor predisposition. Identifiers: Orphanet 140162, MedGen C0027672, MeSH D009386, MONDO:0015356.

Submissions (2):

Ambry Genetics
Classification: Uncertain significance for Hereditary cancer-predisposing syndrome. Last evaluated: 2025-07-22. Review status: criteria provided, single submitter. Criteria: Ambry Variant Classification Scheme 2023. Collection method: clinical testing. Allele origin: germline.
Comment: The p.L1261P variant (also known as c.3782T>C), located in coding exon 30 of the POLE gene, results from a T to C substitution at nucleotide position 3782. The leucine at codon 1261 is replaced by proline, an amino acid with similar properties. This amino acid position is conserved. In addition, this alteration is predicted to be tolerated by in silico analysis. Based on the available evidence, the clinical significance of this variant remains unclear.

Labcorp Genetics (formerly Invitae), Labcorp
Classification: Uncertain significance. Last evaluated: 2023-08-11. Review status: criteria provided, single submitter. Criteria: Invitae Variant Classification Sherloc (09022015). Collection method: clinical testing. Allele origin: germline.
Comment: This variant is not present in population databases (gnomAD no frequency). In summary, the available evidence is currently insufficient to determine the role of this variant in disease. Therefore, it has been classified as a Variant of Uncertain Significance. Advanced modeling of protein sequence and biophysical properties (such as structural, functional, and spatial information, amino acid conservation, physicochemical variation, residue mobility, and thermodynamic stability) performed at Invitae indicates that this missense variant is not expected to disrupt POLE protein function. This variant has not been reported in the literature in individuals affected with POLE-related conditions. This sequence change replaces leucine, which is neutral and non-polar, with proline, which is neutral and non-polar, at codon 1261 of the POLE protein (p.Leu1261Pro).

NM_006231.4(POLE):c.3782T>C (p.Leu1261Pro)

Gene: POLE (DNA polymerase epsilon, catalytic subunit; minus strand). Cytogenetic location: 12q24.33.
Variant type: single nucleotide variant.
Coding change: c.3782T>C on transcript NM_006231.4 (MANE Select); coding-DNA position 3782, T replaced by C.
Protein change: p.Leu1261Pro; replaces leucine 1261 with proline.
Molecular consequence: missense variant.
Genome position (GRCh38, 1-based): chr12:132,649,690, A>G on the plus strand (T>C on the coding strand, the complement: POLE is on the minus strand). VCF-style: chr12-132649690-A-G. GRCh37 (hg19) VCF-style: chr12-133226276-A-G.
Other names: c.3782T>C (NM_006231.2); short protein forms L1261P.
Identifiers: ClinVar variation 2869902 (VCV002869902.4), dbSNP rs2042375611, ClinGen allele CA387385943.